The following is an entry in ClinVar:

ClinVar aggregate classification (germline): Likely benign. Review status: criteria provided, multiple submitters, no conflicts (2 of 4 stars). 2 submissions from 2 submitters: Likely benign (2). Last evaluated 2025-08-07.

Conditions:
MCM3AP-related disorder. Also called: MCM3AP-related condition.

Allele frequency attached by ClinVar (database versions not stated): ExAC 0.00001; gnomAD 0.00001; TOPMed 0.00001; gnomAD exomes 0.00003.
gnomAD v4.1: 47 of 1,577,820 alleles (0.003%); highest among the groups gnomAD compares: Non-Finnish European, 0.0035%; no homozygotes.

Submissions (2):

PreventionGenetics, part of Exact Sciences
Classification: Likely benign for MCM3AP-related condition. Last evaluated: 2025-08-07. Review status: criteria provided, single submitter. Criteria: ACMG Guidelines, 2015. Collection method: clinical testing. Allele origin: germline.
Comment: This variant is classified as likely benign based on ACMG/AMP sequence variant interpretation guidelines (Richards et al. 2015 PMID: 25741868, with internal and published modifications).

Labcorp Genetics (formerly Invitae), Labcorp
Classification: Likely benign. Last evaluated: 2024-02-18. Review status: criteria provided, single submitter. Criteria: Invitae Variant Classification Sherloc (09022015). Collection method: clinical testing. Allele origin: germline.

NM_003906.5(MCM3AP):c.3021C>T (p.Ser1007=)

Gene: MCM3AP (minichromosome maintenance complex component 3 associated protein; minus strand). Cytogenetic location: 21q22.3.
Variant type: single nucleotide variant.
Coding change: c.3021C>T on transcript NM_003906.5 (MANE Select); coding-DNA position 3021, C replaced by T.
Protein change: p.Ser1007=; no amino-acid change (serine 1007 retained).
Molecular consequence: synonymous variant.
Genome position (GRCh38, 1-based): chr21:46,265,935, G>A on the plus strand (C>T on the coding strand, the complement: MCM3AP is on the minus strand). VCF-style: chr21-46265935-G-A. GRCh37 (hg19) VCF-style: chr21-47685849-G-A.
Other names: c.3021C>T (NM_003906.4).
Identifiers: ClinVar variation 2961415 (VCV002961415.4), dbSNP rs758506839, ClinGen allele CA10076661.